The following is an entry in ClinVar:

NM_007294.4(BRCA1):c.4956G>C (p.Met1652Ile)

Gene: BRCA1 (BRCA1 DNA repair associated; minus strand). Cytogenetic location: 17q21.31.
Variant type: single nucleotide variant.
Coding change: c.4956G>C on transcript NM_007294.4 (MANE Select); coding-DNA position 4956, G replaced by C.
Protein change: p.Met1652Ile; replaces methionine 1652 with isoleucine.
Molecular consequence: missense variant. On other transcripts: non-coding transcript variant (1).
Genome position (GRCh38, 1-based): chr17:43,070,958, C>G on the plus strand (G>C on the coding strand, the complement: BRCA1 is on the minus strand). VCF-style: chr17-43070958-C-G. GRCh37 (hg19) VCF-style: chr17-41222975-C-G.
Other names: c.4689G>C, p.Met1563Ile (NM_001407927.1, NM_001407928.1, NM_001407929.1 and 4 more transcripts); c.4827G>C, p.Met1609Ile (NM_001407941.1, NM_001407685.1, NM_001407686.1 and 6 more transcripts); c.4815G>C, p.Met1605Ile (NM_001407942.1, NM_007297.4, NM_001407692.1 and 13 more transcripts); c.4812G>C, p.Met1604Ile (NM_001407943.1, NM_001407944.1, NM_001407945.1 and 21 more transcripts); c.4623G>C, p.Met1541Ile (NM_001407946.1, NM_001407947.1, NM_001407948.1 and 1 more transcripts); c.4572G>C, p.Met1524Ile (NM_001407960.1, NM_001407962.1); c.4569G>C, p.Met1523Ile (NM_001407963.1); c.4494G>C, p.Met1498Ile (NM_001407964.1); and 70 more; short protein forms M1605I, M1652I, M1673I, M548I, M1356I, M1523I, M1562I, M1582I.
Identifiers: ClinVar variation 868871 (VCV000868871.3), dbSNP rs1799967, ClinGen allele CA10591612.

Conditions:
Breast-ovarian cancer, familial, susceptibility to, 1 (BROVCA1). Also called: BRCA1 Hereditary Breast and Ovarian Cancer; OVARIAN CANCER, SUSCEPTIBILITY TO. Identifiers: Orphanet 145, MedGen C2676676, MONDO:0011450, OMIM 604370. Disease mechanism: loss of function.

Submission:

Brotman Baty Institute, University of Washington
No classification provided (evidence only). Condition: Breast-ovarian cancer, familial 1. Review status: no classification provided. Collection method: in vitro. Allele origin: not applicable. Functional consequence: functionally_normal.
ClinVar note: "not provided" was previously submitted as the classification for the variant. However, the classification appeared to be based only on an observation of functional data so it was converted to no classification on 2025-07-30.